The following is an entry in ClinVar:

NM_003742.4(ABCB11):c.11C>G (p.Ser4Ter)

Gene: ABCB11 (ATP binding cassette subfamily B member 11; minus strand). Cytogenetic location: 2q31.1.
Variant type: single nucleotide variant.
Coding change: c.11C>G on transcript NM_003742.4 (MANE Select); coding-DNA position 11, C replaced by G.
Protein change: p.Ser4Ter; replaces serine 4 with a stop codon.
Molecular consequence: nonsense.
Genome position (GRCh38, 1-based): chr2:169,018,115, G>C on the plus strand (C>G on the coding strand, the complement: ABCB11 is on the minus strand). VCF-style: chr2-169018115-G-C. GRCh37 (hg19) VCF-style: chr2-169874625-G-C.
Other names: short protein forms S4*.
Identifiers: ClinVar variation 4846178 (VCV004846178.1).

ClinVar aggregate classification (germline): Pathogenic (1 of 4 stars; one submission).

Conditions:
Familial intrahepatic cholestasis. Identifiers: Orphanet 284385, MedGen CN296401, MONDO:0017290.

Submission:

Genomenon, Inc
Classification: Pathogenic for Familial intrahepatic cholestasis. Last evaluated: 2026-04-14. Review status: criteria provided, single submitter. Criteria: Genomenon Sequence Variant Interpretation Standards - Updated. Collection method: curation. Allele origin: germline. Affected: yes.
Comment: ABCB11 p.Ser4Ter (c.11C>G) is a nonsense variant that introduces a premature stop codon at amino acid position 4, creating a truncated protein that may be subject to nonsense-mediated mRNA decay. This variant has been observed in at least one proband with an ABCB11-related disorder (PMID:28730136). It is absent or not present at a significant frequency in gnomAD. In conclusion, we classify ABCB11 p.Ser4Ter (c.11C>G) as a pathogenic variant.

Literature cited by the submitters: PubMed 28730136.